The following is an entry in ClinVar:

ClinVar aggregate classification (germline): Pathogenic (1 of 4 stars; one submission).

Conditions:
Biotinidase deficiency. Also called: BTD deficiency; Late-onset biotin-responsive multiple carboxylase deficiency; Biotin deficiency. Identifiers: Orphanet 79241, MedGen C0220754, MONDO:0009665, OMIM 253260.

gnomAD v4.1: 1 of 1,614,208 alleles (0.000062%); highest among the groups gnomAD compares: Non-Finnish European, 0.000085%; no homozygotes.

Submission:

Myriad Genetics, Inc.
Classification: Pathogenic for Biotinidase deficiency. Last evaluated: 2025-03-23. Review status: criteria provided, single submitter. Criteria: Myriad Autosomal Dominant, Autosomal Recessive and X-Linked Classification Criteria (2023). Collection method: clinical testing. Allele origin: unknown.
Comment: NM_000060.2(BTD):c.99C>A(C33*) is expected to be pathogenic in the context of biotinidase deficiency. This variant is predicted to lead to an abnormal or absent protein product due to the creation of a premature termination codon in BTD, a gene where loss-of-function variants are known to be pathogenic. Please note: this variant was assessed in the context of healthy population screening.

NM_001370658.1(BTD):c.39C>A (p.Cys13Ter)

Gene: BTD (biotinidase; plus strand). Cytogenetic location: 3p25.1.
Variant type: single nucleotide variant.
Coding change: c.39C>A on transcript NM_001370658.1 (MANE Select); coding-DNA position 39, C replaced by A.
Protein change: p.Cys13Ter; replaces cysteine 13 with a stop codon.
Molecular consequence: nonsense.
Genome position (GRCh38, 1-based): chr3:15,635,478, C>A. VCF-style: chr3-15635478-C-A. GRCh37 (hg19) VCF-style: chr3-15676985-C-A.
Other names: c.39C>A, p.Cys13Ter (NM_001281723.4, NM_001281724.3, NM_001281725.3 and 37 more transcripts); short protein forms C13*.
Identifiers: ClinVar variation 5014254 (VCV005014254.1).